The following is an entry in ClinVar:

ClinVar aggregate classification (germline): Uncertain significance. Review status: criteria provided, multiple submitters, no conflicts (2 of 4 stars). 2 submissions from 2 submitters: Uncertain significance (2). Last evaluated 2025-09-25.

Conditions:
Inborn genetic diseases. Identifiers: MedGen C0950123, MeSH D030342.

gnomAD v4.1: 2 of 1,613,834 alleles (0.00012%); highest among the groups gnomAD compares: South Asian, 0.0022%; no homozygotes.

Submissions (2):

Ambry Genetics
Classification: Uncertain significance for Inborn genetic diseases. Last evaluated: 2025-09-25. Review status: criteria provided, single submitter. Criteria: Ambry Variant Classification Scheme 2023. Collection method: clinical testing. Allele origin: germline.

Labcorp Genetics (formerly Invitae), Labcorp
Classification: Uncertain significance. Last evaluated: 2024-11-26. Review status: criteria provided, single submitter. Criteria: Invitae Variant Classification Sherloc (09022015). Collection method: clinical testing. Allele origin: germline.
Comment: This sequence change replaces cysteine, which is neutral and slightly polar, with glycine, which is neutral and non-polar, at codon 179 of the SCN3A protein (p.Cys179Gly). This variant is not present in population databases (gnomAD no frequency). This variant has not been reported in the literature in individuals affected with SCN3A-related conditions. Invitae Evidence Modeling of protein sequence and biophysical properties (such as structural, functional, and spatial information, amino acid conservation, physicochemical variation, residue mobility, and thermodynamic stability) has been performed for this missense variant. However, the output from this modeling did not meet the statistical confidence thresholds required to predict the impact of this variant on SCN3A protein function. In summary, the available evidence is currently insufficient to determine the role of this variant in disease. Therefore, it has been classified as a Variant of Uncertain Significance.

NM_006922.4(SCN3A):c.535T>G (p.Cys179Gly)

Gene: SCN3A (sodium voltage-gated channel alpha subunit 3; minus strand). Cytogenetic location: 2q24.3.
Variant type: single nucleotide variant.
Coding change: c.535T>G on transcript NM_006922.4 (MANE Select); coding-DNA position 535, T replaced by G.
Protein change: p.Cys179Gly; replaces cysteine 179 with glycine.
Molecular consequence: missense variant.
Genome position (GRCh38, 1-based): chr2:165,164,459, A>C on the plus strand (T>G on the coding strand, the complement: SCN3A is on the minus strand). VCF-style: chr2-165164459-A-C. GRCh37 (hg19) VCF-style: chr2-166020969-A-C.
Other names: c.535T>G (NM_006922.3); c.535T>G, p.Cys179Gly (NM_001081676.2, NM_001081677.2); short protein forms C179G.
Identifiers: ClinVar variation 3617816 (VCV003617816.3).